The following is an entry in ClinVar:

NM_004370.6(COL12A1):c.4980C>G (p.Asn1660Lys)

Gene: COL12A1 (collagen type XII alpha 1 chain; minus strand). Cytogenetic location: 6q13.
Variant type: single nucleotide variant.
Coding change: c.4980C>G on transcript NM_004370.6 (MANE Select); coding-DNA position 4980, C replaced by G.
Protein change: p.Asn1660Lys; replaces asparagine 1660 with lysine.
Molecular consequence: missense variant.
Genome position (GRCh38, 1-based): chr6:75,138,939, G>C on the plus strand (C>G on the coding strand, the complement: COL12A1 is on the minus strand). VCF-style: chr6-75138939-G-C. GRCh37 (hg19) VCF-style: chr6-75848655-G-C.
Other names: c.1488C>G, p.Asn496Lys (NM_080645.3); short protein forms N1660K, N496K.
Identifiers: ClinVar variation 1514973 (VCV001514973.12), dbSNP rs368481619, ClinGen allele CA3893282.
Genomic context (GRCh38, chr6:75,138,939, plus strand): 5'-TGAAGCTCCATGATCCCAAGTCCCTCTGAAACCCTCTGATGTTACTTCAGTAATCTTTAA[G>C]TTTGTTGGGGCTGGCACGGGTCCTATCATGAGAAAAGGCAAGCAGACTAAGTTTTTGAAT-3'
Protein context (NP_004361.3, residues 1650-1670): ETTRPVPAPT[Asn1660Lys]LKITEVTSEG

ClinVar aggregate classification (germline): Conflicting classifications of pathogenicity. Review status: criteria provided, conflicting classifications (1 of 4 stars). 4 submissions from 4 submitters: Uncertain significance (3); Likely benign (1). Last evaluated 2025-05-16.

Conditions:
Inborn genetic diseases. Identifiers: MedGen C0950123, MeSH D030342.
Ullrich congenital muscular dystrophy 2 (UCMD2). Identifiers: Orphanet 75840, MedGen C4225314, MONDO:0014654, OMIM 616470.
Bethlem myopathy 2 (BTHLM2). Identifiers: Orphanet 536516, Orphanet 610, MedGen C4225313, MONDO:0034022, OMIM 616471.

Allele frequency attached by ClinVar (database versions not stated): gnomAD 0.00002; TOPMed 0.00002; gnomAD exomes 0.00003 and 0.00005; ExAC 0.00005; ESP Exome Variant Server 0.00008.
gnomAD v4.1: 75 of 1,613,928 alleles (0.0046%); highest among the groups gnomAD compares: Non-Finnish European, 0.0061%; no homozygotes.

Submissions (4):

Ambry Genetics
Classification: Uncertain significance for Inborn genetic diseases. Last evaluated: 2025-05-16. Review status: criteria provided, single submitter. Criteria: Ambry Variant Classification Scheme 2023. Collection method: clinical testing. Allele origin: germline.

GeneDx
Classification: Uncertain significance. Last evaluated: 2025-03-31. Review status: criteria provided, single submitter. Criteria: GeneDx Variant Classification Process June 2021. Collection method: clinical testing. Allele origin: germline. Affected: yes.
Comment: Has not been previously published as pathogenic or benign to our knowledge; In silico analysis supports that this missense variant has a deleterious effect on protein structure/function

Labcorp Genetics (formerly Invitae), Labcorp
Classification: Likely benign for Bethlem myopathy 2; Ullrich congenital muscular dystrophy 2. Last evaluated: 2024-12-19. Review status: criteria provided, single submitter. Criteria: Invitae Variant Classification Sherloc (09022015). Collection method: clinical testing. Allele origin: germline.

Revvity Omics, Revvity
Classification: Uncertain significance. Last evaluated: 2019-06-13. Review status: criteria provided, single submitter. Criteria: ACMG Guidelines, 2015. Collection method: clinical testing. Allele origin: germline.